The following is an entry in ClinVar:

NM_006759.4(UGP2):c.1149A>G (p.Leu383=)

Gene: UGP2 (UDP-glucose pyrophosphorylase 2; plus strand). Cytogenetic location: 2p15.
Variant type: single nucleotide variant.
Coding change: c.1149A>G on transcript NM_006759.4 (MANE Select); coding-DNA position 1149, A replaced by G.
Protein change: p.Leu383=; no amino-acid change (leucine 383 retained).
Molecular consequence: synonymous variant.
Genome position (GRCh38, 1-based): chr2:63,887,479, A>G. VCF-style: chr2-63887479-A-G. GRCh37 (hg19) VCF-style: chr2-64114613-A-G.
Other names: c.1116A>G, p.Leu372= (NM_001001521.2, NM_001377524.1, NM_001377525.1); c.789A>G, p.Leu263= (NM_001377526.1, NM_001377527.1, NM_001377528.1 and 1 more transcripts).
Identifiers: ClinVar variation 4822729 (VCV004822729.4).

ClinVar aggregate classification (germline): Likely benign (1 of 4 stars; one submission).

gnomAD v4.1: 7 of 1,614,052 alleles (0.00043%); highest among the groups gnomAD compares: East Asian, 0.016%; no homozygotes.

Submission:

CeGaT Center for Human Genetics Tuebingen
Classification: Likely benign. Last evaluated: 2026-07-01. Review status: criteria provided, single submitter. Criteria: CeGaT Center For Human Genetics Tuebingen Variant Classification Criteria Version 2. Collection method: clinical testing. Allele origin: germline. Affected: yes. Observed: 2 variant alleles.
Comment: UGP2: BP4, BP7